The following is an entry in ClinVar:

ClinVar aggregate classification (germline): Uncertain significance (1 of 4 stars; one submission).

Submission:

Labcorp Genetics (formerly Invitae), Labcorp
Classification: Uncertain significance. Last evaluated: 2025-11-03. Review status: criteria provided, single submitter. Criteria: Invitae Variant Classification Sherloc (09022015). Collection method: clinical testing. Allele origin: germline.
Comment: This sequence change replaces alanine, which is neutral and non-polar, with valine, which is neutral and non-polar, at codon 2256 of the DCHS1 protein (p.Ala2256Val). This variant is not present in population databases (gnomAD no frequency). This variant has not been reported in the literature in individuals affected with DCHS1-related conditions. Invitae Evidence Modeling of protein sequence and biophysical properties (such as structural, functional, and spatial information, amino acid conservation, physicochemical variation, residue mobility, and thermodynamic stability) indicates that this missense variant is not expected to disrupt DCHS1 protein function with a negative predictive value of 80%. In summary, the available evidence is currently insufficient to determine the role of this variant in disease. Therefore, it has been classified as a Variant of Uncertain Significance.

NM_003737.4(DCHS1):c.6767C>T (p.Ala2256Val)

Gene: DCHS1 (dachsous cadherin-related 1; minus strand). Cytogenetic location: 11p15.4.
Variant type: single nucleotide variant.
Coding change: c.6767C>T on transcript NM_003737.4 (MANE Select); coding-DNA position 6767, C replaced by T.
Protein change: p.Ala2256Val; replaces alanine 2256 with valine.
Molecular consequence: missense variant.
Genome position (GRCh38, 1-based): chr11:6,625,692, G>A on the plus strand (C>T on the coding strand, the complement: DCHS1 is on the minus strand). VCF-style: chr11-6625692-G-A. GRCh37 (hg19) VCF-style: chr11-6646923-G-A.
Other names: short protein forms A2256V.
Identifiers: ClinVar variation 4741779 (VCV004741779.1).